The following is an entry in ClinVar:

ClinVar aggregate classification (germline): Uncertain significance. Review status: criteria provided, multiple submitters, no conflicts (2 of 4 stars). 3 submissions from 3 submitters: Uncertain significance (2). 1 of the submissions does not count toward it. Last evaluated 2023-07-05.

Conditions:
Inborn genetic diseases. Identifiers: MedGen C0950123, MeSH D030342.
Nemaline myopathy 2 (NEM2). Also called: Nemaline myopathy 2, autosomal recessive. Identifiers: MedGen C1850569, MONDO:0009725, OMIM 256030.

Submissions (3):

Ambry Genetics
Classification: Uncertain significance for Inborn genetic diseases. Last evaluated: 2023-07-05. Review status: criteria provided, single submitter. Criteria: Ambry Variant Classification Scheme 2023. Collection method: clinical testing. Allele origin: germline.

Labcorp Genetics (formerly Invitae), Labcorp
Classification: Uncertain significance for Nemaline myopathy 2. Last evaluated: 2022-07-05. Review status: criteria provided, single submitter. Criteria: Invitae Variant Classification Sherloc (09022015). Collection method: clinical testing. Allele origin: germline.
Comment: This sequence change replaces alanine, which is neutral and non-polar, with serine, which is neutral and polar, at codon 1807 of the NEB protein (p.Ala1807Ser). This variant is not present in population databases (gnomAD no frequency). This variant has not been reported in the literature in individuals affected with NEB-related conditions. ClinVar contains an entry for this variant (Variation ID: 1051671). Algorithms developed to predict the effect of missense changes on protein structure and function are either unavailable or do not agree on the potential impact of this missense change (SIFT: "Deleterious"; PolyPhen-2: "Not Available"; Align-GVGD: "Class C0"). In summary, the available evidence is currently insufficient to determine the role of this variant in disease. Therefore, it has been classified as a Variant of Uncertain Significance.

Natera, Inc.
Classification: Uncertain significance for Nemaline myopathy type 2. Last evaluated: 2021-04-15. Review status: no assertion criteria provided. Collection method: clinical testing. Allele origin: germline. Not counted in ClinVar's aggregate classification.

NM_001164508.2(NEB):c.5419G>T (p.Ala1807Ser)

Gene: NEB (nebulin; minus strand). Cytogenetic location: 2q23.3.
Variant type: single nucleotide variant.
Coding change: c.5419G>T on transcript NM_001164508.2 (MANE Select); coding-DNA position 5419, G replaced by T.
Protein change: p.Ala1807Ser; replaces alanine 1807 with serine.
Molecular consequence: missense variant.
Genome position (GRCh38, 1-based): chr2:151,664,533, C>A on the plus strand (G>T on the coding strand, the complement: NEB is on the minus strand). VCF-style: chr2-151664533-C-A. GRCh37 (hg19) VCF-style: chr2-152521047-C-A.
Other names: c.5419G>T, p.Ala1807Ser (NM_001164507.2, NM_001271208.2, NM_004543.5); c.5419G>T (NM_004543.4); short protein forms A1807S.
Identifiers: ClinVar variation 1051671 (VCV001051671.11), dbSNP rs374677022, ClinGen allele CA348810328.